The following is an entry in ClinVar:

ClinVar aggregate classification (germline): Likely benign. Review status: criteria provided, multiple submitters, no conflicts (2 of 4 stars). 2 submissions from 2 submitters: Likely benign (2). Last evaluated 2025-10-22.

Conditions:
HTRA1-related disorder. Also called: HTRA1-related condition.

Submissions (2):

PreventionGenetics, part of Exact Sciences
Classification: Likely benign for HTRA1-related condition. Last evaluated: 2025-10-22. Review status: criteria provided, single submitter. Criteria: ACMG Guidelines, 2015. Collection method: clinical testing. Allele origin: germline.
Comment: This variant is classified as likely benign based on ACMG/AMP sequence variant interpretation guidelines (Richards et al. 2015 PMID: 25741868, with internal and published modifications).

Blueprint Genetics
Classification: Likely benign. Last evaluated: 2024-11-27. Review status: criteria provided, single submitter. Criteria: ACMG Guidelines, 2015. Collection method: clinical testing. Allele origin: germline.

NM_002775.5(HTRA1):c.34_35insCT (p.Leu12fs)

Gene: HTRA1 (HtrA serine peptidase 1; plus strand). Cytogenetic location: 10q26.13.
Variant type: Insertion.
Coding change: c.34_35insCT on transcript NM_002775.5 (MANE Select); coding-DNA positions 34 to 35, CT inserted.
Protein change: p.Leu12fs; shifts the reading frame from leucine 12.
Molecular consequence: frameshift variant.
Genome position: GRCh38 VCF-style: chr10-122461686-C-CCT. GRCh37 (hg19) VCF-style: chr10-124221202-C-CCT.
Other names: c.34_35insCT (NM_002775.4); short protein forms L12fs.
Identifiers: ClinVar variation 4909843 (VCV004909843.2).